The following is an entry in ClinVar:

ClinVar aggregate classification (germline): Uncertain significance. Review status: criteria provided, multiple submitters, no conflicts (2 of 4 stars). 3 submissions from 3 submitters: Uncertain significance (3). Last evaluated 2025-09-14.

Allele frequency attached by ClinVar (database versions not stated): gnomAD 0.00012 and 0.00013; ESP Exome Variant Server 0.00015; gnomAD exomes 0.00016 and 0.00019; ExAC 0.00018; TOPMed 0.00020.
gnomAD v4.1: 261 of 1,613,500 alleles (0.016%); highest among the groups gnomAD compares: Middle Eastern, 0.28%; no homozygotes.

Submissions (3):

Labcorp Genetics (formerly Invitae), Labcorp
Classification: Uncertain significance. Last evaluated: 2025-09-14. Review status: criteria provided, single submitter. Criteria: Invitae Variant Classification Sherloc (09022015). Collection method: clinical testing. Allele origin: germline.
Comment: This sequence change replaces valine, which is neutral and non-polar, with alanine, which is neutral and non-polar, at codon 349 of the KIAA0556 protein (p.Val349Ala). This variant is present in population databases (rs146475680, gnomAD 0.02%). This variant has not been reported in the literature in individuals affected with KIAA0556-related conditions. ClinVar contains an entry for this variant (Variation ID: 1682053). An algorithm developed to predict the effect of missense changes on protein structure and function (PolyPhen-2) suggests that this variant is likely to be tolerated. In summary, the available evidence is currently insufficient to determine the role of this variant in disease. Therefore, it has been classified as a Variant of Uncertain Significance.

Blueprint Genetics
Classification: Uncertain significance. Last evaluated: 2024-11-05. Review status: criteria provided, single submitter. Criteria: ACMG Guidelines, 2015. Collection method: clinical testing. Allele origin: germline.

Ambry Genetics
Classification: Uncertain significance. Last evaluated: 2021-04-01. Review status: criteria provided, single submitter. Criteria: Ambry Variant Classification Scheme 2023. Collection method: clinical testing. Allele origin: germline.

NM_015202.5(KATNIP):c.1046T>C (p.Val349Ala)

Gene: KATNIP (katanin interacting protein; plus strand). Cytogenetic location: 16p12.1.
Variant type: single nucleotide variant.
Coding change: c.1046T>C on transcript NM_015202.5 (MANE Select); coding-DNA position 1046, T replaced by C.
Protein change: p.Val349Ala; replaces valine 349 with alanine.
Molecular consequence: missense variant.
Genome position (GRCh38, 1-based): chr16:27,698,433, T>C. VCF-style: chr16-27698433-T-C. GRCh37 (hg19) VCF-style: chr16-27709754-T-C.
Other names: c.1046T>C (NM_015202.2); short protein forms V349A.
Identifiers: ClinVar variation 1682053 (VCV001682053.7), dbSNP rs146475680, ClinGen allele CA7977550.